The following is an entry in ClinVar:

ClinVar aggregate classification (germline): Benign/Likely benign. Review status: criteria provided, multiple submitters, no conflicts (2 of 4 stars). 8 submissions from 7 submitters: Benign (6); Likely benign (2). Last evaluated 2026-01-09.

Conditions:
Autosomal recessive ataxia, Beauce type. Also called: SYNE1 Deficiency; SYNE1-Related Autosomal Recessive Cerebellar Ataxia; Spinocerebellar ataxia, autosomal recessive 8; ATAXIA, RECESSIVE, OF BEAUCE. Identifiers: Orphanet 88644, MedGen C1853116, MONDO:0012549, OMIM 610743.
Emery-Dreifuss muscular dystrophy 4, autosomal dominant (EDMD4). Also called: EMERY-DREIFUSS MUSCULAR DYSTROPHY 4 WITH VARIABLE FEATURES. Identifiers: Orphanet 261, MedGen C2751807, MONDO:0013071, OMIM 612998.

Allele frequency attached by ClinVar (database versions not stated): gnomAD exomes 0.00203; ExAC 0.00273; gnomAD 0.00823 and 0.00887; TOPMed 0.00873; 1000 Genomes Project 30x 0.00999; 1000 Genomes Project 0.01018; ESP Exome Variant Server 0.01107.
gnomAD v4.1: 2,361 of 1,614,232 alleles (0.15%); highest among the groups gnomAD compares: African/African-American, 2.9%; 45 homozygotes.

Submissions (8):

Labcorp Genetics (formerly Invitae), Labcorp
Classification: Benign for Emery-Dreifuss muscular dystrophy 4, autosomal dominant; Autosomal recessive ataxia, Beauce type. Last evaluated: 2026-01-09. Review status: criteria provided, single submitter. Criteria: Invitae Variant Classification Sherloc (09022015). Collection method: clinical testing. Allele origin: germline.

Athena Diagnostics
Classification: Benign. Last evaluated: 2024-04-29. Review status: criteria provided, single submitter. Criteria: Athena Diagnostics Criteria. Collection method: clinical testing. Allele origin: unknown.

ARUP Laboratories, Molecular Genetics and Genomics, ARUP Laboratories
Classification: Likely benign. Last evaluated: 2023-09-21. Review status: criteria provided, single submitter. Criteria: ARUP Molecular Germline Variant Investigation Process 2024. Collection method: clinical testing. Allele origin: germline.

Mayo Clinic Laboratories, Mayo Clinic
Classification: Benign. Last evaluated: 2019-04-24. Review status: criteria provided, single submitter. Criteria: ACMG Guidelines, 2015. Collection method: clinical testing. Allele origin: germline. Observed: 7 variant alleles.

Illumina Laboratory Services, Illumina
Classification: Benign for Autosomal recessive ataxia, Beauce type. Last evaluated: 2018-01-13. Review status: criteria provided, single submitter. Criteria: ICSL Variant Classification Criteria 13 December 2019. Collection method: clinical testing. Allele origin: germline.
Comment: This variant was observed in the ICSL laboratory as part of a predisposition screen in an ostensibly healthy population. It had not been previously curated by ICSL or reported in the Human Gene Mutation Database (HGMD: prior to June 1st, 2018), and was therefore a candidate for classification through an automated scoring system. Utilizing variant allele frequency, disease prevalence and penetrance estimates, and inheritance mode, an automated score was calculated to assess if this variant is too frequent to cause the disease. Based on the score and internal cut-off values, a variant classified as benign is not then subjected to further curation. The score for this variant resulted in a classification of benign for this disease.

Illumina Laboratory Services, Illumina
Classification: Benign for Emery-Dreifuss muscular dystrophy 4, autosomal dominant. Last evaluated: 2018-01-13. Review status: criteria provided, single submitter. Criteria: ICSL Variant Classification Criteria 13 December 2019. Collection method: clinical testing. Allele origin: germline.
Comment: the same text as in the submission from Illumina Laboratory Services, Illumina above.

GeneDx
Classification: Benign. Last evaluated: 2016-11-01. Review status: criteria provided, single submitter. Criteria: GeneDx Variant Classification (06012015). Collection method: clinical testing. Allele origin: germline. Affected: yes.
Comment: This variant is considered likely benign or benign based on one or more of the following criteria: it is a conservative change, it occurs at a poorly conserved position in the protein, it is predicted to be benign by multiple in silico algorithms, and/or has population frequency not consistent with disease.

Breakthrough Genomics
Classification: Likely benign. Review status: criteria provided, single submitter. Criteria: ACMG Guidelines, 2015. Collection method: not provided. Allele origin: germline. Inheritance: Autosomal recessive inheritance. Affected: yes.

Literature cited by the submitters: PubMed 21572417 (cited by Athena Diagnostics); PubMed 32518143 (cited by Athena Diagnostics).

NM_182961.4(SYNE1):c.10827A>C (p.Gln3609His)

Gene: SYNE1 (spectrin repeat containing nuclear envelope protein 1; minus strand). Cytogenetic location: 6q25.2.
Variant type: single nucleotide variant.
Coding change: c.10827A>C on transcript NM_182961.4 (MANE Select); coding-DNA position 10827, A replaced by C.
Protein change: p.Gln3609His; replaces glutamine 3609 with histidine.
Molecular consequence: missense variant.
Genome position (GRCh38, 1-based): chr6:152,354,758, T>G on the plus strand (A>C on the coding strand, the complement: SYNE1 is on the minus strand). VCF-style: chr6-152354758-T-G. GRCh37 (hg19) VCF-style: chr6-152675893-T-G.
Other names: p.Gln3616His; c.10848A>C, p.Gln3616His (NM_033071.5); short protein forms Q3616H, Q3609H.
Identifiers: ClinVar variation 355888 (VCV000355888.26), dbSNP rs79486252, ClinGen allele CA4056869.